The following is an entry in ClinVar:

ClinVar aggregate classification (germline): Uncertain significance (1 of 4 stars; one submission).

Conditions:
DNMT3A-related disorder. Also called: DNMT3A-related disorders; DNMT3A-related condition.

Submission:

PreventionGenetics, part of Exact Sciences
Classification: Uncertain significance for DNMT3A-related condition. Last evaluated: 2026-03-09. Review status: criteria provided, single submitter. Criteria: ACMG Guidelines, 2015. Collection method: clinical testing. Allele origin: germline.
Comment: The DNMT3A c.14C>T variant is predicted to result in the amino acid substitution p.Pro5Leu. To our knowledge, this variant has not been reported in the literature or in a large population database (gnomAD), indicating this variant is rare. At this time, the clinical significance of this variant is uncertain due to the absence of conclusive functional and genetic evidence.

NM_022552.5(DNMT3A):c.640-3829C>T

Genes: DNMT3A (DNA methyltransferase 3 alpha; minus strand), LOC129933288 (ATAC-STARR-seq lymphoblastoid silent region 11249; plus strand). Cytogenetic location: 2p23.3.
Variant type: single nucleotide variant.
Coding change: c.640-3829C>T on transcript NM_022552.5 (MANE Select); 3829 bases into the intron before coding-DNA position 640, C replaced by T.
Molecular consequence: intron variant. On other transcripts: missense variant (1).
Genome position (GRCh38, 1-based): chr2:25,252,081, G>A on the plus strand (C>T on the coding strand, the complement: DNMT3A is on the minus strand). VCF-style: chr2-25252081-G-A. GRCh37 (hg19) VCF-style: chr2-25474950-G-A.
Other names: c.14C>T, p.Pro5Leu (NM_001320893.1); c.640-3829C>T (NM_175629.2); c.4+113C>T (NM_153759.3); c.-31+113C>T (NM_001375819.1); short protein forms P5L.
Identifiers: ClinVar variation 4990435 (VCV004990435.1).
Genomic context (GRCh38, chr2:25,252,081, plus strand): 5'-GCCAGCACTAAGTCAGCATCTCCAGAACTCGGGCCAGGCCGGGACGCCGCGGCTGCTGCG[G>A]GCCGGGGAGGCATACTTCACTCTTTTCAAACCCGGAGGGCTGCGGAGATCCTCCCACCGG-3'